The following is an entry in ClinVar:

ClinVar aggregate classification (germline): Pathogenic (1 of 4 stars; one submission).

Conditions:
Exostoses, multiple, type 2 (EXT2). Also called: EXOSTOSES, MULTIPLE, TYPE II; Hereditary Multiple Osteochondromatosis, Type II. Identifiers: Orphanet 321, MedGen C1851413, MONDO:0007586, OMIM 133701.

Submission:

Labcorp Genetics (formerly Invitae), Labcorp
Classification: Pathogenic for Exostoses, multiple, type 2. Last evaluated: 2024-07-10. Review status: criteria provided, single submitter. Criteria: Invitae Variant Classification Sherloc (09022015). Collection method: clinical testing. Allele origin: germline.
Comment: This sequence change creates a premature translational stop signal (p.Val319Glyfs*35) in the EXT2 gene. It is expected to result in an absent or disrupted protein product. Loss-of-function variants in EXT2 are known to be pathogenic (PMID: 10679937, 19810120). This variant is not present in population databases (gnomAD no frequency). This premature translational stop signal has been observed in individual(s) with multiple osteochondromas (Invitae). ClinVar contains an entry for this variant (Variation ID: 640236). For these reasons, this variant has been classified as Pathogenic.

Literature cited by the submitters: PubMed 10679937; PubMed 19810120.

NM_207122.2(EXT2):c.956_957del (p.Val319fs)

Gene: EXT2 (exostosin glycosyltransferase 2; plus strand). Cytogenetic location: 11p11.2.
Variant type: Microsatellite.
Coding change: c.956_957del on transcript NM_207122.2 (MANE Select); coding-DNA positions 956 to 957, 2 bases deleted (TG; older notation c.956_957delTG).
Protein change: p.Val319fs; shifts the reading frame from valine 319.
Molecular consequence: frameshift variant.
Genome position (GRCh38, 1-based): chr11:44,126,832-44,126,833, TG deleted; deleting any 2 consecutive bases within chr11:44,126,828-44,126,833 gives the same sequence; the c. name uses the placement nearest the transcript's 3' end. VCF-style (leftmost placement, unchanged base first): chr11-44126827-CTG-C. GRCh37 (hg19) VCF-style: chr11-44148377-CTG-C.
Other names: c.1055_1056del, p.Val352fs (NM_000401.3); c.956_957del, p.Val319fs (NM_001178083.3); c.956_957delTG (NM_207122.1); short protein forms V319fs, V352fs.
Identifiers: ClinVar variation 640236 (VCV000640236.7), dbSNP rs1590570665, ClinGen allele CA915948125.